The following is an entry in ClinVar:

NM_001042492.3(NF1):c.7729T>C (p.Tyr2577His)

Gene: NF1 (neurofibromin 1; plus strand). Cytogenetic location: 17q11.2.
Variant type: single nucleotide variant.
Coding change: c.7729T>C on transcript NM_001042492.3 (MANE Select); coding-DNA position 7729, T replaced by C.
Protein change: p.Tyr2577His; replaces tyrosine 2577 with histidine.
Molecular consequence: missense variant.
Genome position (GRCh38, 1-based): chr17:31,356,573, T>C. VCF-style: chr17-31356573-T-C. GRCh37 (hg19) VCF-style: chr17-29683591-T-C.
Other names: c.7666T>C, p.Tyr2556His (NM_000267.4); short protein forms Y2577H, Y2556H.
Identifiers: ClinVar variation 1358283 (VCV001358283.8), dbSNP rs778143477, ClinGen allele CA8487639.
Genomic context (GRCh38, chr17:31,356,573, plus strand): 5'-CAAGAAATGGAATCAGGGATCACAACACCCCCCAAAATGAGGAGAGTAGCAGAAACTGAT[T>C]ATGAAATGGGTGAGAAACAAAGTATTGATCTAGATCATTGAAAATAAGGTGGGAGAGTAC-3'
Protein context (NP_001035957.1, residues 2567-2587): PKMRRVAETD[Tyr2577His]EMETQRISSS

ClinVar aggregate classification (germline): Uncertain significance. Review status: criteria provided, multiple submitters, no conflicts (2 of 4 stars). 3 submissions from 3 submitters: Uncertain significance (3). Last evaluated 2024-12-17.

Conditions:
Hereditary cancer-predisposing syndrome. Also called: Hereditary Cancer Syndrome; Hereditary neoplastic syndrome; Tumor predisposition; Neoplastic Syndromes, Hereditary. Identifiers: Orphanet 140162, MedGen C0027672, MeSH D009386, MONDO:0015356.
Cardiovascular phenotype. Identifiers: MedGen CN230736.
Neurofibromatosis, type 1 (NF1). Also called: NEUROFIBROMATOSIS, TYPE I, SOMATIC; VON RECKLINGHAUSEN DISEASE; Neurofibromatosis, type I; Peripheral type neurofibromatosis. Identifiers: Orphanet 636, MedGen C0027831, MONDO:0018975, OMIM 162200. Disease mechanism: loss of function.
Neurofibromatosis, familial spinal (FSNF). Identifiers: Orphanet 636, MedGen C1834235, MONDO:0008078, OMIM 162210. Disease mechanism: loss of function.
Juvenile myelomonocytic leukemia (JMML). Also called: LEUKEMIA, JUVENILE MYELOMONOCYTIC, SOMATIC. Identifiers: Orphanet 86834, MedGen C0349639, MONDO:0011908, OMIM 607785, HP:0012209.
Neurofibromatosis-Noonan syndrome (NFNS). Also called: NEUROFIBROMATOSIS WITH NOONAN PHENOTYPE. Identifiers: Orphanet 638, MedGen C2931482, MONDO:0011035, OMIM 601321. Disease mechanism: loss of function.
Café-au-lait macules with pulmonary stenosis (WTSN). Also called: PULMONIC STENOSIS WITH CAFE-AU-LAIT SPOTS. Identifiers: MedGen C0553586, MONDO:0008672, OMIM 193520.

Allele frequency attached by ClinVar (database versions not stated): gnomAD exomes 0.00001; ExAC 0.00002.
gnomAD v4.1: 2 of 1,613,714 alleles (0.00012%); highest among the groups gnomAD compares: South Asian, 0.0022%; no homozygotes.

Submissions (3):

Labcorp Genetics (formerly Invitae), Labcorp
Classification: Uncertain significance for Neurofibromatosis, type 1. Last evaluated: 2024-12-17. Review status: criteria provided, single submitter. Criteria: Invitae Variant Classification Sherloc (09022015). Collection method: clinical testing. Allele origin: germline.
Comment: This sequence change replaces tyrosine, which is neutral and polar, with histidine, which is basic and polar, at codon 2556 of the NF1 protein (p.Tyr2556His). This variant is present in population databases (rs778143477, gnomAD 0.006%). This variant has not been reported in the literature in individuals affected with NF1-related conditions. ClinVar contains an entry for this variant (Variation ID: 1358283). Invitae Evidence Modeling of protein sequence and biophysical properties (such as structural, functional, and spatial information, amino acid conservation, physicochemical variation, residue mobility, and thermodynamic stability) indicates that this missense variant is not expected to disrupt NF1 protein function with a negative predictive value of 95%. In summary, the available evidence is currently insufficient to determine the role of this variant in disease. Therefore, it has been classified as a Variant of Uncertain Significance.

Ambry Genetics
Classification: Uncertain significance for Cardiovascular phenotype; Hereditary cancer-predisposing syndrome. Last evaluated: 2023-11-06. Review status: criteria provided, single submitter. Criteria: Ambry Variant Classification Scheme 2023. Collection method: clinical testing. Allele origin: germline.
Comment: The p.Y2556H variant (also known as c.7666T>C), located in coding exon 51 of the NF1 gene, results from a T to C substitution at nucleotide position 7666. The tyrosine at codon 2556 is replaced by histidine, an amino acid with similar properties. This amino acid position is conserved. In addition, this alteration is predicted to be tolerated by in silico analysis. Since supporting evidence is limited at this time, the clinical significance of this alteration remains unclear.

Fulgent Genetics
Classification: Uncertain significance for Neurofibromatosis, type 1; Neurofibromatosis, familial spinal; Café-au-lait macules with pulmonary stenosis; Neurofibromatosis-Noonan syndrome; Juvenile myelomonocytic leukemia. Last evaluated: 2021-12-27. Review status: criteria provided, single submitter. Criteria: ACMG Guidelines, 2015. Collection method: clinical testing. Allele origin: unknown.